The following is an entry in ClinVar:

ClinVar aggregate classification (germline): Uncertain significance (1 of 4 stars; one submission).

Submission:

Mayo Clinic Laboratories, Mayo Clinic
Classification: Uncertain significance. Last evaluated: 2025-05-19. Review status: criteria provided, single submitter. Criteria: ACMG Guidelines, 2015. Collection method: clinical testing. Allele origin: germline. Observed: 1 variant allele.
Comment: PM2_supporting

NM_024417.5(FDXR):c.562G>A (p.Ala188Thr)

Gene: FDXR (ferredoxin reductase; minus strand). Cytogenetic location: 17q25.1.
Variant type: single nucleotide variant.
Coding change: c.562G>A on transcript NM_024417.5 (MANE Select); coding-DNA position 562, G replaced by A.
Protein change: p.Ala188Thr; replaces alanine 188 with threonine.
Molecular consequence: missense variant. On other transcripts: non-coding transcript variant (1).
Genome position (GRCh38, 1-based): chr17:74,865,766, C>T on the plus strand (G>A on the coding strand, the complement: FDXR is on the minus strand). VCF-style: chr17-74865766-C-T. GRCh37 (hg19) VCF-style: chr17-72861888-C-T.
Other names: p.Ala188Thr; c.691G>A, p.Ala231Thr (NM_001258012.4); c.655G>A, p.Ala219Thr (NM_001258013.4); c.538G>A, p.Ala180Thr (NM_001258014.4); c.442G>A, p.Ala148Thr (NM_001258015.3); c.406G>A, p.Ala136Thr (NM_001258016.3); c.562G>A, p.Ala188Thr (NM_004110.6); short protein forms A188T, A136T, A148T, A219T, A231T, A180T.
Identifiers: ClinVar variation 4542216 (VCV004542216.1).
Genomic context (GRCh38, chr17:74,865,766, plus strand): 5'-ACCTACCACTCACCTCCAGGTGCTCAGGTGGGGTCAGTAGGATGCGGGCCACGTCCAGAG[C>T]CACGTTCCCCTGCCCCAGAATCACGGCTGTGTCACAGCTCAGGTCTGGCTCCAGCTGGAG-3'
Protein context (NP_077728.3, residues 178-198): TAVILGQGNV[Ala188Thr]LDVARILLTP